The following is an entry in ClinVar:

ClinVar aggregate classification (germline): Uncertain significance (1 of 4 stars; one submission).

Conditions:
Regional enteritis. Also called: Enteritis, Granulomatous. Identifiers: MedGen C0678202, MeSH D003424.
Blau syndrome (BLAUS). Also called: ARTHROCUTANEOUVEAL GRANULOMATOSIS; GRANULOMATOSIS, FAMILIAL JUVENILE SYSTEMIC; GRANULOMATOSIS, FAMILIAL, BLAU TYPE; GRANULOMATOUS INFLAMMATORY ARTHRITIS, DERMATITIS, AND UVEITIS, FAMILIAL; JABS SYNDROME. Identifiers: Orphanet 90340, MedGen C5201146, MONDO:0008523, OMIM 186580.

Allele frequency attached by ClinVar (database versions not stated): TOPMed below 0.00001.
gnomAD v4.1: 5 of 1,613,806 alleles (0.00031%); highest among the groups gnomAD compares: Non-Finnish European, 0.00042%; no homozygotes.

Submission:

Labcorp Genetics (formerly Invitae), Labcorp
Classification: Uncertain significance for Regional enteritis; Blau syndrome. Last evaluated: 2023-06-15. Review status: criteria provided, single submitter. Criteria: Invitae Variant Classification Sherloc (09022015). Collection method: clinical testing. Allele origin: germline.
Comment: In summary, the available evidence is currently insufficient to determine the role of this variant in disease. Therefore, it has been classified as a Variant of Uncertain Significance. Advanced modeling of protein sequence and biophysical properties (such as structural, functional, and spatial information, amino acid conservation, physicochemical variation, residue mobility, and thermodynamic stability) performed at Invitae indicates that this missense variant is not expected to disrupt NOD2 protein function. This variant has not been reported in the literature in individuals affected with NOD2-related conditions. This variant is not present in population databases (gnomAD no frequency). This sequence change replaces histidine, which is basic and polar, with asparagine, which is neutral and polar, at codon 126 of the NOD2 protein (p.His126Asn).

NM_001370466.1(NOD2):c.295C>A (p.His99Asn)

Gene: NOD2 (nucleotide binding oligomerization domain containing 2; plus strand). Cytogenetic location: 16q12.1.
Variant type: single nucleotide variant.
Coding change: c.295C>A on transcript NM_001370466.1 (MANE Select); coding-DNA position 295, C replaced by A.
Protein change: p.His99Asn; replaces histidine 99 with asparagine.
Molecular consequence: missense variant. On other transcripts: non-coding transcript variant (1).
Genome position (GRCh38, 1-based): chr16:50,699,790, C>A. VCF-style: chr16-50699790-C-A. GRCh37 (hg19) VCF-style: chr16-50733701-C-A.
Other names: c.295C>A, p.His99Asn (NM_001293557.2); c.376C>A, p.His126Asn (NM_022162.3); short protein forms H99N, H126N.
Identifiers: ClinVar variation 2930801 (VCV002930801.3), dbSNP rs781448444, ClinGen allele CA395866419.
Genomic context (GRCh38, chr16:50,699,790, plus strand): 5'-GCTGCCCAAGAAGCCCAGGCCGACAGCCAGTCCCCCAAGCTGCATGGCTGCTGGGACCCC[C>A]ACTCGCTCCACCCAGCCCGAGACCTGCAGAGTCACCGGCCAGCCATTGTCAGGAGGCTCC-3'
Protein context (NP_001357395.1, residues 89-109): SPKLHGCWDP[His99Asn]SLHPARDLQS